The following is an entry in ClinVar:

ClinVar aggregate classification (germline): Pathogenic (1 of 4 stars; one submission).

Submission:

Labcorp Genetics (formerly Invitae), Labcorp
Classification: Pathogenic. Last evaluated: 2024-12-11. Review status: criteria provided, single submitter. Criteria: Invitae Variant Classification Sherloc (09022015). Collection method: clinical testing. Allele origin: germline.
Comment: This sequence change creates a premature translational stop signal (p.Ala1042Valfs*88) in the COL2A1 gene. It is expected to result in an absent or disrupted protein product. Loss-of-function variants in COL2A1 are known to be pathogenic (PMID: 20179744). This variant is not present in population databases (gnomAD no frequency). This variant has not been reported in the literature in individuals affected with COL2A1-related conditions. For these reasons, this variant has been classified as Pathogenic.

Literature cited by the submitters: PubMed 20179744.

NM_001844.5(COL2A1):c.3125del (p.Ala1042fs)

Gene: COL2A1 (collagen type II alpha 1 chain; minus strand). Cytogenetic location: 12q13.11.
Variant type: Deletion.
Coding change: c.3125del on transcript NM_001844.5 (MANE Select); coding-DNA position 3125, one base deleted (C; older notation c.3125delC).
Protein change: p.Ala1042fs; shifts the reading frame from alanine 1042.
Molecular consequence: frameshift variant.
Genome position (GRCh38, 1-based): chr12:47,977,640, G deleted on the plus strand (C on the coding strand, the reverse complement: COL2A1 is on the minus strand). VCF-style (leftmost placement, unchanged base first): chr12-47977639-AG-A. GRCh37 (hg19) VCF-style: chr12-48371422-AG-A.
Other names: c.2918del, p.Ala973fs (NM_033150.3); short protein forms A1042fs, A973fs.
Identifiers: ClinVar variation 3727091 (VCV003727091.2).